The following is an entry in ClinVar:

NM_001044385.3(TMEM237):c.926C>G (p.Thr309Arg)

Gene: TMEM237 (transmembrane protein 237; minus strand). Cytogenetic location: 2q33.1.
Variant type: single nucleotide variant.
Coding change: c.926C>G on transcript NM_001044385.3 (MANE Select); coding-DNA position 926, C replaced by G.
Protein change: p.Thr309Arg; replaces threonine 309 with arginine.
Molecular consequence: missense variant.
Genome position (GRCh38, 1-based): chr2:201,628,093, G>C on the plus strand (C>G on the coding strand, the complement: TMEM237 is on the minus strand). VCF-style: chr2-201628093-G-C. GRCh37 (hg19) VCF-style: chr2-202492816-G-C.
Other names: c.902C>G, p.Thr301Arg (NM_152388.4); short protein forms T309R, T301R.
Identifiers: ClinVar variation 1435186 (VCV001435186.6), dbSNP rs1380123430, ClinGen allele CA350307035.

ClinVar aggregate classification (germline): Uncertain significance (1 of 4 stars; one submission).

Conditions:
Joubert syndrome 14 (JBTS14). Identifiers: MedGen C3280766, MONDO:0013745, OMIM 614424.

Submission:

Labcorp Genetics (formerly Invitae), Labcorp
Classification: Uncertain significance for Joubert syndrome 14. Last evaluated: 2021-11-02. Review status: criteria provided, single submitter. Criteria: Invitae Variant Classification Sherloc (09022015). Collection method: clinical testing. Allele origin: germline.
Comment: This sequence change replaces threonine, which is neutral and polar, with arginine, which is basic and polar, at codon 309 of the TMEM237 protein (p.Thr309Arg). This variant is not present in population databases (gnomAD no frequency). This variant has not been reported in the literature in individuals affected with TMEM237-related conditions. Algorithms developed to predict the effect of missense changes on protein structure and function output the following: SIFT: "Deleterious"; PolyPhen-2: "Benign"; Align-GVGD: "Class C15". The arginine amino acid residue is found in multiple mammalian species, which suggests that this missense change does not adversely affect protein function. Algorithms developed to predict the effect of sequence changes on RNA splicing suggest that this variant may create or strengthen a splice site. In summary, the available evidence is currently insufficient to determine the role of this variant in disease. Therefore, it has been classified as a Variant of Uncertain Significance.